The following is an entry in ClinVar:

ClinVar aggregate classification (germline): Uncertain significance (1 of 4 stars; one submission).

Submission:

Labcorp Genetics (formerly Invitae), Labcorp
Classification: Uncertain significance. Last evaluated: 2025-10-01. Review status: criteria provided, single submitter. Criteria: Invitae Variant Classification Sherloc (09022015). Collection method: clinical testing. Allele origin: germline.
Comment: This sequence change replaces glycine, which is neutral and non-polar, with alanine, which is neutral and non-polar, at codon 839 of the CACNA1E protein (p.Gly839Ala). This variant is not present in population databases (gnomAD no frequency). This variant has not been reported in the literature in individuals affected with CACNA1E-related conditions. ClinVar contains an entry for this variant (Variation ID: 3008196). Invitae Evidence Modeling of protein sequence and biophysical properties (such as structural, functional, and spatial information, amino acid conservation, physicochemical variation, residue mobility, and thermodynamic stability) indicates that this missense variant is not expected to disrupt CACNA1E protein function with a negative predictive value of 95%. In summary, the available evidence is currently insufficient to determine the role of this variant in disease. Therefore, it has been classified as a Variant of Uncertain Significance.

NM_001205293.3(CACNA1E):c.2516G>C (p.Gly839Ala)

Gene: CACNA1E (calcium voltage-gated channel subunit alpha1 E; plus strand). Cytogenetic location: 1q25.3.
Variant type: single nucleotide variant.
Coding change: c.2516G>C on transcript NM_001205293.3 (MANE Select); coding-DNA position 2516, G replaced by C.
Protein change: p.Gly839Ala; replaces glycine 839 with alanine.
Molecular consequence: missense variant.
Genome position (GRCh38, 1-based): chr1:181,732,602, G>C. VCF-style: chr1-181732602-G-C. GRCh37 (hg19) VCF-style: chr1-181701738-G-C.
Other names: c.2516G>C, p.Gly839Ala (NM_000721.4); c.2459G>C, p.Gly820Ala (NM_001205294.2); short protein forms G820A, G839A.
Identifiers: ClinVar variation 3008196 (VCV003008196.3), dbSNP rs2528695306, ClinGen allele CA343617541.